The following is an entry in ClinVar:

NC_000009.12:g.35657894G>C

Gene: RMRP (RNA component of mitochondrial RNA processing endoribonuclease; minus strand). Cytogenetic location: 9p13.3.
Variant type: single nucleotide variant.
Genome position: GRCh38 VCF-style: chr9-35657894-G-C. GRCh37 (hg19) VCF-style: chr9-35657891-G-C.
Identifiers: ClinVar variation 1422124 (VCV001422124.4), dbSNP rs938089991, ClinGen allele CA192745615.

ClinVar aggregate classification (germline): Uncertain significance (1 of 4 stars; one submission).

Conditions:
Anauxetic dysplasia. Identifiers: Orphanet 93347, MedGen C1846796, MONDO:0011773.

gnomAD v4.1: 10 of 697,184 alleles (0.0014%); highest among the groups gnomAD compares: Admixed American, 0.002%; no homozygotes.

Submission:

Labcorp Genetics (formerly Invitae), Labcorp
Classification: Uncertain significance for Anauxetic dysplasia. Last evaluated: 2024-01-18. Review status: criteria provided, single submitter. Criteria: Invitae Variant Classification Sherloc (09022015). Collection method: clinical testing. Allele origin: germline.
Comment: This variant occurs in the RMRP gene, which encodes an RNA molecule that does not result in a protein product. This variant is present in population databases (no rsID available, gnomAD 0.1%). This variant has not been reported in the literature in individuals affected with RMRP-related conditions. ClinVar contains an entry for this variant (Variation ID: 1422124). Experimental studies and prediction algorithms are not available or were not evaluated, and the functional significance of this variant is currently unknown. In summary, the available evidence is currently insufficient to determine the role of this variant in disease. Therefore, it has been classified as a Variant of Uncertain Significance.